The following is an entry in ClinVar:

ClinVar aggregate classification (germline): Uncertain significance (1 of 4 stars; one submission).

Submission:

Ambry Genetics
Classification: Uncertain significance. Last evaluated: 2022-07-08. Review status: criteria provided, single submitter. Criteria: Ambry Variant Classification Scheme 2023. Collection method: clinical testing. Allele origin: germline.
Comment: The p.E18V variant (also known as c.53A>T), located in coding exon 2 of the RINT1 gene, results from an A to T substitution at nucleotide position 53. The glutamic acid at codon 18 is replaced by valine, an amino acid with dissimilar properties. This amino acid position is conserved. In addition, this alteration is predicted to be tolerated by in silico analysis. Since supporting evidence is limited at this time, the clinical significance of this alteration remains unclear.

NM_021930.6(RINT1):c.53A>T (p.Glu18Val)

Gene: RINT1 (RAD50 interactor 1; plus strand). Cytogenetic location: 7q22.3.
Variant type: single nucleotide variant.
Coding change: c.53A>T on transcript NM_021930.6 (MANE Select); coding-DNA position 53, A replaced by T.
Protein change: p.Glu18Val; replaces glutamic acid 18 with valine.
Molecular consequence: missense variant. On other transcripts: 5 prime UTR variant (4), non-coding transcript variant (1).
Genome position (GRCh38, 1-based): chr7:105,532,834, A>T. VCF-style: chr7-105532834-A-T. GRCh37 (hg19) VCF-style: chr7-105173281-A-T.
Other names: c.-45A>T (NM_001346599.2); c.-967A>T (NM_001346600.2); c.-870A>T (NM_001346601.2); c.-490A>T (NM_001346603.2); short protein forms E18V.
Identifiers: ClinVar variation 1747289 (VCV001747289.2), dbSNP rs2485090710, ClinGen allele CA368799298.